The following is an entry in ClinVar:

NM_000051.4(ATM):c.1439_1448del (p.Leu480fs)

Gene: ATM (ATM serine/threonine kinase; plus strand). Cytogenetic location: 11q22.3.
Variant type: Deletion.
Coding change: c.1439_1448del on transcript NM_000051.4 (MANE Select); coding-DNA positions 1439 to 1448, 10 bases deleted (TATTAAAACT; older notation c.1439_1448delTATTAAAACT).
Protein change: p.Leu480fs; shifts the reading frame from leucine 480.
Molecular consequence: frameshift variant.
Genome position (GRCh38, 1-based): chr11:108,250,904-108,250,913, TATTAAAACT deleted; deleting any 10 consecutive bases within chr11:108,250,903-108,250,913 gives the same sequence; the c. name uses the placement nearest the transcript's 3' end. VCF-style (leftmost placement, unchanged base first): chr11-108250902-TTTATTAAAAC-T. GRCh37 (hg19) VCF-style: chr11-108121629-TTTATTAAAAC-T.
Other names: c.1439_1448del, p.Leu480fs (NM_001351834.2); c.1439_1448del10 (NM_000051.3); short protein forms L480fs.
Identifiers: ClinVar variation 230585 (VCV000230585.3), dbSNP rs876658651, ClinGen allele CA10579011.

ClinVar aggregate classification (germline): Pathogenic (1 of 4 stars; one submission).

Conditions:
Hereditary cancer-predisposing syndrome. Also called: Neoplastic Syndromes, Hereditary; Tumor predisposition; Hereditary Cancer Syndrome; Hereditary neoplastic syndrome. Identifiers: Orphanet 140162, MedGen C0027672, MeSH D009386, MONDO:0015356.

Submission:

Ambry Genetics
Classification: Pathogenic for Hereditary cancer-predisposing syndrome. Last evaluated: 2015-02-28. Review status: criteria provided, single submitter. Criteria: Ambry Autosomal Dominant and X-Linked criteria (10/2015). Collection method: clinical testing. Allele origin: germline. Observed: 1 variant allele.
Comment: The c.1439_1448del10 pathogenic mutation, located in coding exon 9 of the ATM gene, results from a deletion of 10 nucleotides at nucleotide positions 1439 to 1448, causing a translational frameshift with a predicted alternate stop codon. This alteration is expected to result in loss of function by premature protein truncation or nonsense-mediated mRNA decay. As such, this alteration is interpreted as a disease-causing mutation.